The following is an entry in ClinVar:

ClinVar aggregate classification (germline): Uncertain significance (1 of 4 stars; one submission).

Submission:

Labcorp Genetics (formerly Invitae), Labcorp
Classification: Uncertain significance. Last evaluated: 2022-11-29. Review status: criteria provided, single submitter. Criteria: Invitae Variant Classification Sherloc (09022015). Collection method: clinical testing. Allele origin: germline.
Comment: This variant is not present in population databases (gnomAD no frequency). In summary, the available evidence is currently insufficient to determine the role of this variant in disease. Therefore, it has been classified as a Variant of Uncertain Significance. Advanced modeling of protein sequence and biophysical properties (such as structural, functional, and spatial information, amino acid conservation, physicochemical variation, residue mobility, and thermodynamic stability) performed at Invitae indicates that this missense variant is expected to disrupt POLR1A protein function. ClinVar contains an entry for this variant (Variation ID: 1462574). This variant has not been reported in the literature in individuals affected with POLR1A-related conditions. This sequence change replaces alanine, which is neutral and non-polar, with threonine, which is neutral and polar, at codon 1215 of the POLR1A protein (p.Ala1215Thr).

NM_015425.6(POLR1A):c.3643G>A (p.Ala1215Thr)

Gene: POLR1A (RNA polymerase I subunit A; minus strand). Cytogenetic location: 2p11.2.
Variant type: single nucleotide variant.
Coding change: c.3643G>A on transcript NM_015425.6 (MANE Select); coding-DNA position 3643, G replaced by A.
Protein change: p.Ala1215Thr; replaces alanine 1215 with threonine.
Molecular consequence: missense variant.
Genome position (GRCh38, 1-based): chr2:86,040,489, C>T on the plus strand (G>A on the coding strand, the complement: POLR1A is on the minus strand). VCF-style: chr2-86040489-C-T. GRCh37 (hg19) VCF-style: chr2-86267612-C-T.
Other names: short protein forms A1215T.
Identifiers: ClinVar variation 1462574 (VCV001462574.6), dbSNP rs2104388128, ClinGen allele CA347552552.
Genomic context (GRCh38, chr2:86,040,489, plus strand): 5'-CTGCAAAGTGGAAGGTGTTGAGGGTCATCTGGGTGGAGGGCTCTCCGATGCTCTGGGCAG[C>T]CAGCAGGCCCACAGCCTCGCCCGGCTCACACAGTGAGCGCTGCCACTTCAGCTGCAGCAA-3'
Protein context (NP_056240.2, residues 1205-1225): CEPGEAVGLL[Ala1215Thr]AQSIGEPSTQ